The following is an entry in ClinVar:

ClinVar aggregate classification (germline): Likely benign. Review status: criteria provided, single submitter (1 of 4 stars). 2 submissions from 2 submitters: Likely benign (1). 1 of the submissions does not count toward it. Last evaluated 2018-06-18.

Conditions:
Hereditary cancer-predisposing syndrome. Also called: Tumor predisposition; Hereditary neoplastic syndrome; Neoplastic Syndromes, Hereditary; Hereditary Cancer Syndrome. Identifiers: Orphanet 140162, MedGen C0027672, MeSH D009386, MONDO:0015356.

Allele frequency attached by ClinVar (database versions not stated): 1000 Genomes Project 30x 0.00031; 1000 Genomes Project 0.00040; TOPMed 0.00066; gnomAD exomes 0.00169; gnomAD 0.00186 and 0.00187.
gnomAD v4.1: 1,655 of 974,428 alleles (0.17%); highest among the groups gnomAD compares: Non-Finnish European, 0.14%; 5 homozygotes.

Submissions (2):

GeneDx
Classification: Likely benign. Last evaluated: 2018-06-18. Review status: criteria provided, single submitter. Criteria: GeneDx Variant Classification (06012015). Collection method: clinical testing. Allele origin: germline. Affected: yes.
Comment: This variant is considered likely benign or benign based on one or more of the following criteria: it is a conservative change, it occurs at a poorly conserved position in the protein, it is predicted to be benign by multiple in silico algorithms, and/or has population frequency not consistent with disease.

University of Washington Department of Laboratory Medicine, University of Washington
Classification: Likely benign for Hereditary cancer-predisposing syndrome. Last evaluated: 2015-12-01. Review status: no assertion criteria provided. Collection method: clinical testing. Allele origin: germline. Affected: yes. Not counted in ClinVar's aggregate classification.

NM_024675.4(PALB2):c.2514+136T>C

Gene: PALB2 (partner and localizer of BRCA2; minus strand). Cytogenetic location: 16p12.2.
Variant type: single nucleotide variant.
Coding change: c.2514+136T>C on transcript NM_024675.4 (MANE Select); 136 bases into the intron after coding-DNA position 2514, T replaced by C.
Molecular consequence: intron variant.
Genome position (GRCh38, 1-based): chr16:23,629,504, A>G on the plus strand (T>C on the coding strand, the complement: PALB2 is on the minus strand). VCF-style: chr16-23629504-A-G. GRCh37 (hg19) VCF-style: chr16-23640825-A-G.
Identifiers: ClinVar variation 223896 (VCV000223896.3), dbSNP rs187008421, ClinGen allele CA351201.